The following is an entry in ClinVar:

ClinVar aggregate classification (germline): Pathogenic/Likely pathogenic. Review status: criteria provided, multiple submitters, no conflicts (2 of 4 stars). 5 submissions from 5 submitters: Pathogenic (1); Likely pathogenic (3). 1 of the submissions does not count toward it. Last evaluated 2025-11-08.

Conditions:
Pyknodysostosis. Also called: Pycnodysostosis. Identifiers: Orphanet 763, MedGen C0238402, MONDO:0009940, OMIM 265800.

Allele frequency attached by ClinVar (database versions not stated): ExAC 0.00001; gnomAD exomes below 0.00001.

Submissions (5):

Labcorp Genetics (formerly Invitae), Labcorp
Classification: Pathogenic. Last evaluated: 2025-11-08. Review status: criteria provided, single submitter. Criteria: Invitae Variant Classification Sherloc (09022015). Collection method: clinical testing. Allele origin: germline.
Comment: This sequence change creates a premature translational stop signal (p.Tyr71*) in the CTSK gene. It is expected to result in an absent or disrupted protein product. Loss-of-function variants in CTSK are known to be pathogenic (PMID: 12125807, 21569238). This variant is present in population databases (rs780202604, gnomAD 0.0009%). This variant has not been reported in the literature in individuals affected with CTSK-related conditions. ClinVar contains an entry for this variant (Variation ID: 370345). Algorithms developed to predict the effect of sequence changes on RNA splicing suggest that this variant may disrupt the consensus splice site. For these reasons, this variant has been classified as Pathogenic.

Natera, Inc.
Classification: Likely pathogenic for Pyknodysostosis. Last evaluated: 2025-02-28. Review status: criteria provided, single submitter. Criteria: Natera Variant Classification Schema (03/2026). Collection method: clinical testing. Allele origin: germline.
Comment: The c.213T>A variant in CTSK is a nonsense variant predicted to introduce a stop codon at amino acid 71. This variant is expected to result in nonsense mediated decay, truncation, or a dysfunctional protein product. This variant is rare in the general population with a frequency below the threshold expected for the associated phenotype(s). Given the available evidence, this variant is classified as Likely Pathogenic.

Baylor Genetics
Classification: Likely pathogenic for Pyknodysostosis. Last evaluated: 2024-03-16. Review status: criteria provided, single submitter. Criteria: ACMG Guidelines, 2015. Collection method: clinical testing. Allele origin: unknown.

Genome-Nilou Lab
Classification: Likely pathogenic for Pyknodysostosis. Last evaluated: 2023-04-11. Review status: criteria provided, single submitter. Criteria: ACMG Guidelines, 2015. Collection method: clinical testing. Allele origin: germline. Affected: no.

Counsyl
Classification: Likely pathogenic for Pyknodysostosis. Last evaluated: 2016-01-18. Review status: no assertion criteria provided. Collection method: clinical testing. Allele origin: unknown. Not counted in ClinVar's aggregate classification.

Literature cited by the submitters: PubMed 12125807 (cited by Labcorp Genetics (formerly Invitae), Labcorp); PubMed 21569238 (cited by Labcorp Genetics (formerly Invitae), Labcorp).

NM_000396.4(CTSK):c.213T>A (p.Tyr71Ter)

Gene: CTSK (cathepsin K; minus strand). Cytogenetic location: 1q21.3.
Variant type: single nucleotide variant.
Coding change: c.213T>A on transcript NM_000396.4 (MANE Select); coding-DNA position 213, T replaced by A.
Protein change: p.Tyr71Ter; replaces tyrosine 71 with a stop codon.
Molecular consequence: nonsense.
Genome position (GRCh38, 1-based): chr1:150,806,132, A>T on the plus strand (T>A on the coding strand, the complement: CTSK is on the minus strand). VCF-style: chr1-150806132-A-T. GRCh37 (hg19) VCF-style: chr1-150778608-A-T.
Other names: short protein forms Y71*.
Identifiers: ClinVar variation 370345 (VCV000370345.11), dbSNP rs780202604, ClinGen allele CA1080555.